The following is an entry in ClinVar:

NM_001943.5(DSG2):c.3312del (p.Thr1105fs)

Genes: DSG2 (desmoglein 2; plus strand), DSG2-AS1 (DSG2 antisense RNA 1; minus strand). Cytogenetic location: 18q12.1.
Variant type: Deletion.
Coding change: c.3312del on transcript NM_001943.5 (MANE Select); coding-DNA position 3312, one base deleted (C; older notation c.3312delC).
Protein change: p.Thr1105fs; shifts the reading frame from threonine 1105.
Molecular consequence: frameshift variant.
Genome position (GRCh38, 1-based): chr18:31,546,698, C deleted; the last of 2 consecutive C bases (chr18:31,546,697-31,546,698); deleting either gives the same sequence. VCF-style (leftmost placement, unchanged base first): chr18-31546696-TC-T. GRCh37 (hg19) VCF-style: chr18-29126659-TC-T.
Other names: short protein forms T1105fs.
Identifiers: ClinVar variation 1407342 (VCV001407342.3), dbSNP rs1413344418, ClinGen allele CA629453720.

ClinVar aggregate classification (germline): Uncertain significance (1 of 4 stars; one submission).

Conditions:
Arrhythmogenic right ventricular dysplasia 10. Also called: Arrhythmogenic Right Ventricular Dysplasia/Cardiomyopathy10; ARRHYTHMOGENIC RIGHT VENTRICULAR DYSPLASIA, FAMILIAL, 10; Arrhythmogenic right ventricular dysplasia/cardiomyopathy, type 10. Identifiers: MedGen C1857777, MONDO:0012434, OMIM 610193.

Submission:

Labcorp Genetics (formerly Invitae), Labcorp
Classification: Uncertain significance for Arrhythmogenic right ventricular dysplasia 10. Last evaluated: 2021-07-26. Review status: criteria provided, single submitter. Criteria: Invitae Variant Classification Sherloc (09022015). Collection method: clinical testing. Allele origin: germline.
Comment: This sequence change results in a frameshift in the DSG2 gene (p.Thr1105Profs*22). While this is not anticipated to result in nonsense mediated decay, it is expected to disrupt the last 14 amino acid(s) of the DSG2 protein and extend the protein by 7 additional amino acid residues. This variant is not present in population databases (ExAC no frequency). This variant has not been reported in the literature in individuals affected with DSG2-related conditions. Experimental studies and prediction algorithms are not available or were not evaluated, and the functional significance of this variant is currently unknown. In summary, the available evidence is currently insufficient to determine the role of this variant in disease. Therefore, it has been classified as a Variant of Uncertain Significance.